The following is an entry in ClinVar:

NM_003823.4(TNFRSF6B):c.709G>A (p.Glu237Lys)

Genes: RTEL1-TNFRSF6B (RTEL1-TNFRSF6B readthrough (NMD candidate); plus strand), TNFRSF6B (TNF receptor superfamily member 6b; plus strand). Cytogenetic location: 20q13.33.
Variant type: single nucleotide variant.
Coding change: c.709G>A on transcript NM_003823.4 (MANE Select); coding-DNA position 709, G replaced by A.
Protein change: p.Glu237Lys; replaces glutamic acid 237 with lysine.
Molecular consequence: missense variant. On other transcripts: non-coding transcript variant (1).
Genome position (GRCh38, 1-based): chr20:63,698,369, G>A. VCF-style: chr20-63698369-G-A. GRCh37 (hg19) VCF-style: chr20-62329722-G-A.
Other names: c.709G>A (NM_003823.3); short protein forms E237K.
Identifiers: ClinVar variation 1369407 (VCV001369407.9), dbSNP rs779100044, ClinGen allele CA9966569.

ClinVar aggregate classification (germline): Uncertain significance. Review status: criteria provided, multiple submitters, no conflicts (2 of 4 stars). 2 submissions from 2 submitters: Uncertain significance (2). Last evaluated 2025-06-10.

Allele frequency attached by ClinVar (database versions not stated): TOPMed below 0.00001; gnomAD 0.00001 and 0.00002; ExAC 0.00002; gnomAD exomes 0.00002.
gnomAD v4.1: 36 of 1,608,302 alleles (0.0022%); highest among the groups gnomAD compares: South Asian, 0.0066%; no homozygotes.

Submissions (2):

Ambry Genetics
Classification: Uncertain significance. Last evaluated: 2025-06-10. Review status: criteria provided, single submitter. Criteria: Ambry Variant Classification Scheme 2023. Collection method: clinical testing. Allele origin: germline.

Labcorp Genetics (formerly Invitae), Labcorp
Classification: Uncertain significance. Last evaluated: 2024-04-01. Review status: criteria provided, single submitter. Criteria: Invitae Variant Classification Sherloc (09022015). Collection method: clinical testing. Allele origin: germline.
Comment: This sequence change replaces glutamic acid, which is acidic and polar, with lysine, which is basic and polar, at codon 237 of the TNFRSF6B protein (p.Glu237Lys). This variant is present in population databases (rs779100044, gnomAD 0.006%). This variant has not been reported in the literature in individuals affected with TNFRSF6B-related conditions. ClinVar contains an entry for this variant (Variation ID: 1369407). An algorithm developed to predict the effect of missense changes on protein structure and function (PolyPhen-2) suggests that this variant is likely to be tolerated. In summary, the available evidence is currently insufficient to determine the role of this variant in disease. Therefore, it has been classified as a Variant of Uncertain Significance.